The following is an entry in ClinVar:

NM_000044.6(AR):c.2741C>A (p.Pro914His)

Gene: AR (androgen receptor; plus strand). Cytogenetic location: Xq12.
Variant type: single nucleotide variant.
Coding change: c.2741C>A on transcript NM_000044.6 (MANE Select); coding-DNA position 2741, C replaced by A.
Protein change: p.Pro914His; replaces proline 914 with histidine.
Molecular consequence: missense variant.
Genome position (GRCh38, 1-based): chrX:67,723,819, C>A. VCF-style: chrX-67723819-C-A. GRCh37 (hg19) VCF-style: chrX-66943661-C-A.
Other names: c.1145C>A, p.Pro382His (NM_001011645.3); short protein forms P382H, P914H.
Identifiers: ClinVar variation 1053541 (VCV001053541.9), dbSNP rs2147540801, ClinGen allele CA413428455.

ClinVar aggregate classification (germline): Uncertain significance (1 of 4 stars; one submission).

Conditions:
Androgen resistance syndrome (AIS). Also called: ANDROGEN RECEPTOR DEFICIENCY; DIHYDROTESTOSTERONE RECEPTOR DEFICIENCY; TESTICULAR FEMINIZATION SYNDROME; Androgen insensitivity syndrome; Androgen insensitivity, complete; DHTR DEFICIENCY. Identifiers: Orphanet 754, Orphanet 99429, MedGen C0039585, MONDO:0019154, OMIM 300068. Disease mechanism: loss of function.
Kennedy disease (SMAX1). Also called: KENNEDY SPINAL AND BULBAR MUSCULAR ATROPHY; Spinal and Bulbar Muscular Atrophy; SPINAL AND BULBAR MUSCULAR ATROPHY, X-LINKED 1. Identifiers: Orphanet 481, MedGen C1839259, MONDO:0010735, OMIM 313200.

Submission:

Labcorp Genetics (formerly Invitae), Labcorp
Classification: Uncertain significance for Kennedy disease; Androgen resistance syndrome. Last evaluated: 2020-08-06. Review status: criteria provided, single submitter. Criteria: Invitae Variant Classification Sherloc (09022015). Collection method: clinical testing. Allele origin: germline.
Comment: In summary, the available evidence is currently insufficient to determine the role of this variant in disease. Therefore, it has been classified as a Variant of Uncertain Significance. Algorithms developed to predict the effect of missense changes on protein structure and function are either unavailable or do not agree on the potential impact of this missense change (SIFT: "Deleterious"; PolyPhen-2: "Probably Damaging"; Align-GVGD: "Class C0"). This variant has not been reported in the literature in individuals with AR-related conditions. This variant is not present in population databases (ExAC no frequency). This sequence change replaces proline with histidine at codon 914 of the AR protein (p.Pro914His). The proline residue is moderately conserved and there is a moderate physicochemical difference between proline and histidine.